The following is an entry in ClinVar:

NM_000051.4(ATM):c.7666_7684del (p.Thr2556fs)

Genes: ATM (ATM serine/threonine kinase; plus strand), C11orf65 (chromosome 11 open reading frame 65; minus strand). Cytogenetic location: 11q22.3.
Variant type: Deletion.
Coding change: c.7666_7684del on transcript NM_000051.4 (MANE Select); coding-DNA positions 7666 to 7684, 19 bases deleted (ACTTTGTTTATTATACTGG).
Protein change: p.Thr2556fs; shifts the reading frame from threonine 2556.
Molecular consequence: frameshift variant. On other transcripts: intron variant (2).
Genome position (GRCh38, 1-based): chr11:108,331,915-108,331,933, ACTTTGTTTATTATACTGG deleted. VCF-style (leftmost placement, unchanged base first): chr11-108331914-CACTTTGTTTATTATACTGG-C. GRCh37 (hg19) VCF-style: chr11-108202641-CACTTTGTTTATTATACTGG-C.
Other names: c.7666_7684del, p.Thr2556fs (NM_001351834.2); c.641-22862_641-22844del (NM_001330368.2); c.*38+3287_*38+3305del (NM_001351110.2); short protein forms T2556fs.
Identifiers: ClinVar variation 1074991 (VCV001074991.45), dbSNP rs2136518319, ClinGen allele CA2499220714.

ClinVar aggregate classification (germline): Pathogenic (1 of 4 stars; one submission).

Conditions:
Ataxia-telangiectasia syndrome (AT). Also called: Ataxia telangiectasia (A-T); ATAXIA-TELANGIECTASIA, COMPLEMENTATION GROUP A; ATAXIA-TELANGIECTASIA, FRESNO VARIANT; Ataxia-telangiectasia; Ataxia-telangiectasia, complementation group E; LOUIS-BAR SYNDROME. Identifiers: Orphanet 100, MedGen C0004135, MONDO:0008840, OMIM 208900.

Submission:

Labcorp Genetics (formerly Invitae), Labcorp
Classification: Pathogenic for Ataxia-telangiectasia syndrome. Last evaluated: 2021-05-18. Review status: criteria provided, single submitter. Criteria: Invitae Variant Classification Sherloc (09022015). Collection method: clinical testing. Allele origin: germline.
Comment: For these reasons, this variant has been classified as Pathogenic. This variant has not been reported in the literature in individuals with ATM-related conditions. This variant is not present in population databases (ExAC no frequency). This sequence change creates a premature translational stop signal (p.Thr2556Profs*2) in the ATM gene. It is expected to result in an absent or disrupted protein product. Loss-of-function variants in ATM are known to be pathogenic (PMID: 23807571, 25614872).

Literature cited by the submitters: PubMed 23807571; PubMed 25614872.